The following is an entry in ClinVar:

ClinVar aggregate classification (germline): Uncertain significance (1 of 4 stars; one submission).

Allele frequency attached by ClinVar (database versions not stated): gnomAD exomes below 0.00001; gnomAD 0.00001; TOPMed 0.00001.

Submission:

Labcorp Genetics (formerly Invitae), Labcorp
Classification: Uncertain significance. Last evaluated: 2022-03-18. Review status: criteria provided, single submitter. Criteria: Invitae Variant Classification Sherloc (09022015). Collection method: clinical testing. Allele origin: germline.
Comment: This sequence change replaces glutamic acid, which is acidic and polar, with alanine, which is neutral and non-polar, at codon 509 of the GTPBP2 protein (p.Glu509Ala). This variant is present in population databases (no rsID available, gnomAD 0.0009%). This variant has not been reported in the literature in individuals affected with GTPBP2-related conditions. Algorithms developed to predict the effect of missense changes on protein structure and function (SIFT, PolyPhen-2, Align-GVGD) all suggest that this variant is likely to be tolerated. In summary, the available evidence is currently insufficient to determine the role of this variant in disease. Therefore, it has been classified as a Variant of Uncertain Significance.

NM_019096.5(GTPBP2):c.1526A>C (p.Glu509Ala)

Gene: GTPBP2 (GTP binding protein 2; minus strand). Cytogenetic location: 6p21.1.
Variant type: single nucleotide variant.
Coding change: c.1526A>C on transcript NM_019096.5 (MANE Select); coding-DNA position 1526, A replaced by C.
Protein change: p.Glu509Ala; replaces glutamic acid 509 with alanine.
Molecular consequence: missense variant.
Genome position (GRCh38, 1-based): chr6:43,622,109, T>G on the plus strand (A>C on the coding strand, the complement: GTPBP2 is on the minus strand). VCF-style: chr6-43622109-T-G. GRCh37 (hg19) VCF-style: chr6-43589846-T-G.
Other names: c.1262A>C, p.Glu421Ala (NM_001286216.2); short protein forms E509A, E421A.
Identifiers: ClinVar variation 1383131 (VCV001383131.4), dbSNP rs932899641, ClinGen allele CA138310966.